The following is an entry in ClinVar:

NM_003664.5(AP3B1):c.2694_2712del (p.Met899fs)

Gene: AP3B1 (adaptor related protein complex 3 subunit beta 1; minus strand). Cytogenetic location: 5q14.1.
Variant type: Deletion.
Coding change: c.2694_2712del on transcript NM_003664.5 (MANE Select); coding-DNA positions 2694 to 2712, 19 bases deleted (GATGGTCTCTATACAAATA).
Protein change: p.Met899fs; shifts the reading frame from methionine 899.
Molecular consequence: frameshift variant.
Genome position (GRCh38, 1-based): chr5:78,039,140-78,039,158, TATTTGTATAGAGACCATC deleted on the plus strand (GATGGTCTCTATACAAATA on the coding strand, the reverse complement: AP3B1 is on the minus strand); deleting any 19 consecutive bases within chr5:78,039,140-78,039,159 gives the same sequence; the c. name uses the placement nearest the transcript's 3' end. VCF-style (leftmost placement, unchanged base first): chr5-78039139-TTATTTGTATAGAGACCATC-T. GRCh37 (hg19) VCF-style: chr5-77334963-TTATTTGTATAGAGACCATC-T.
Other names: c.2547_2565del, p.Met850fs (NM_001271769.2); short protein forms M850fs, M899fs.
Identifiers: ClinVar variation 1072382 (VCV001072382.9), dbSNP rs2112100310, ClinGen allele CA2499217907.

ClinVar aggregate classification (germline): Pathogenic. Review status: criteria provided, multiple submitters, no conflicts (2 of 4 stars). 2 submissions from 2 submitters: Pathogenic (2). Last evaluated 2025-04-28.

Conditions:
Hermansky-Pudlak syndrome 2 (HPS2). Also called: Platelet defects and oculocutaneous albinism. Identifiers: Orphanet 183678, Orphanet 79430, MedGen C1842362, MONDO:0011997, OMIM 608233.

Submissions (2):

Clinical Genetics Laboratory, University Hospital Schleswig-Holstein
Classification: Pathogenic for Hermansky-Pudlak syndrome 2. Last evaluated: 2025-04-28. Review status: criteria provided, single submitter. Criteria: ACMG Guidelines, 2015. Collection method: clinical testing. Allele origin: maternal. Affected: yes. Observed: 1 compound heterozygote.
Comment: ACMG criteria applied: PM2, PS4_Supporting, PVS1, PM3, PP4

Labcorp Genetics (formerly Invitae), Labcorp
Classification: Pathogenic for Hermansky-Pudlak syndrome 2. Last evaluated: 2020-10-19. Review status: criteria provided, single submitter. Criteria: Invitae Variant Classification Sherloc (09022015). Collection method: clinical testing. Allele origin: germline.
Comment: For these reasons, this variant has been classified as Pathogenic. This variant has not been reported in the literature in individuals with AP3B1-related conditions. This variant is not present in population databases (ExAC no frequency). This sequence change creates a premature translational stop signal (p.Met899Hisfs*2) in the AP3B1 gene. It is expected to result in an absent or disrupted protein product. Loss-of-function variants in AP3B1 are known to be pathogenic (PMID: 16507770, 23403622).

Literature cited by the submitters: PubMed 16507770 (cited by Labcorp Genetics (formerly Invitae), Labcorp); PubMed 23403622 (cited by Labcorp Genetics (formerly Invitae), Labcorp).